The following is an entry in ClinVar:

NM_024854.5(PYROXD1):c.464A>G (p.Asn155Ser)

Gene: PYROXD1 (pyridine nucleotide-disulphide oxidoreductase domain 1; plus strand). Cytogenetic location: 12p12.1.
Variant type: single nucleotide variant.
Coding change: c.464A>G on transcript NM_024854.5 (MANE Select); coding-DNA position 464, A replaced by G.
Protein change: p.Asn155Ser; replaces asparagine 155 with serine.
Molecular consequence: missense variant. On other transcripts: intron variant (1).
Genome position (GRCh38, 1-based): chr12:21,452,130, A>G. VCF-style: chr12-21452130-A-G. GRCh37 (hg19) VCF-style: chr12-21605064-A-G.
Other names: c.251A>G, p.Asn84Ser (NM_001350912.2); c.-290+2439A>G (NM_001350913.2); short protein forms N155S, N84S.
Identifiers: ClinVar variation 372280 (VCV000372280.24), dbSNP rs781565158, ClinGen allele CA6478220.

ClinVar aggregate classification (germline): Pathogenic. Review status: criteria provided, multiple submitters, no conflicts (2 of 4 stars). 13 submissions from 13 submitters: Pathogenic (11). 2 of the submissions do not count toward it. Last evaluated 2025-09-16.

Conditions:
PYROXD1-related disorder. Also called: PYROXD1-related condition.
Myofibrillar myopathy 8. Identifiers: MedGen C4310645, MONDO:0014993, OMIM 617258.

Allele frequency attached by ClinVar (database versions not stated): gnomAD exomes 0.00001 and 0.00005; TOPMed 0.00001; gnomAD 0.00002; ExAC 0.00007.
gnomAD v4.1: 24 of 1,584,672 alleles (0.0015%); highest among the groups gnomAD compares: Middle Eastern, 0.089%; no homozygotes.

Submissions (13):

3billion
Classification: Pathogenic for Myofibrillar myopathy 8. Last evaluated: 2025-09-16. Review status: criteria provided, single submitter. Criteria: ACMG Guidelines, 2015. Collection method: clinical testing. Allele origin: germline. Affected: yes.
Comment: The variant is observed at an extremely low frequency in the gnomAD v4.1.0 dataset (total allele frequency: 0.002%). Predicted Consequence/Location: Missense variant. The majority of the known disease-causing variants of this gene are variants expected to result in premature termination of the protein. Functional studies provide moderate evidence of the variant having a damaging effect on the gene or gene product (PMID: 27745833). In silico tool predictions suggest damaging effect of the variant on gene or gene product [REVEL: 0.64 (>=0.6, sensitivity 0.68 and specificity 0.92); 3Cnet: 0.99 (> 0.75, sensitivity 0.96 and precision 0.92)]. The same nucleotide change resulting in the same amino acid change has been previously reported as pathogenic/likely pathogenic with strong evidence (ClinVar ID: VCV000372280 /PMID: 27745833 /3billion dataset). The variant has been reported to be in trans with a pathogenic variant as either compound heterozygous or homozygous in at least one similarly affected unrelated individual (PMID: 27745833). Therefore, this variant is classified as Pathogenic according to the recommendation of ACMG/AMP guideline.

Genomic Medicine Center of Excellence, King Faisal Specialist Hospital and Research Centre
Classification: Pathogenic for Myofibrillar myopathy 8. Last evaluated: 2025-09-10. Review status: criteria provided, single submitter. Criteria: ACMG Guidelines, 2015. Collection method: clinical testing. Allele origin: germline.

GeneDx
Classification: Pathogenic. Last evaluated: 2025-07-22. Review status: criteria provided, single submitter. Criteria: GeneDx Variant Classification Process June 2021. Collection method: clinical testing. Allele origin: germline. Affected: yes.
Comment: Published functional studies indicate that the N155S variant impairs PYROXD1 function (PMID: 27745833); In silico analysis supports that this missense variant has a deleterious effect on protein structure/function; Not observed at significant frequency in large population cohorts (gnomAD); This variant is associated with the following publications: (PMID: 32037607, 27745833, 30345904, 30515627, 31455395, 31607746, 34426522, 33694278, 36100962, 38544359, 36920481, 34418069, 37259682, 38553017, 37895316)

Labcorp Genetics (formerly Invitae), Labcorp
Classification: Pathogenic. Last evaluated: 2024-12-11. Review status: criteria provided, single submitter. Criteria: Invitae Variant Classification Sherloc (09022015). Collection method: clinical testing. Allele origin: germline.
Comment: This sequence change replaces asparagine, which is neutral and polar, with serine, which is neutral and polar, at codon 155 of the PYROXD1 protein (p.Asn155Ser). This variant is present in population databases (rs781565158, gnomAD 0.01%). This missense change has been observed in individual(s) with PYROXD1-related conditions (PMID: 27745833). In at least one individual the data is consistent with being in trans (on the opposite chromosome) from a pathogenic variant. It has also been observed to segregate with disease in related individuals. ClinVar contains an entry for this variant (Variation ID: 372280). Invitae Evidence Modeling of protein sequence and biophysical properties (such as structural, functional, and spatial information, amino acid conservation, physicochemical variation, residue mobility, and thermodynamic stability) indicates that this missense variant is expected to disrupt PYROXD1 protein function with a positive predictive value of 80%. Experimental studies have shown that this missense change affects PYROXD1 function (PMID: 27745833). For these reasons, this variant has been classified as Pathogenic.

Institute of Human Genetics Munich, TUM University Hospital
Classification: Pathogenic for Myofibrillar myopathy 8. Last evaluated: 2024-07-01. Review status: criteria provided, single submitter. Criteria: Classification criteria August 2017. Collection method: clinical testing. Allele origin: germline. Inheritance: Autosomal recessive inheritance. Affected: yes. Observed: 1 variant allele.

Kariminejad - Najmabadi Pathology & Genetics Center
Classification: Pathogenic for Myofibrillar myopathy 8. Last evaluated: 2024-04-22. Review status: criteria provided, single submitter. Criteria: ACMG Guidelines, 2015. Collection method: clinical testing. Allele origin: germline. Inheritance: Autosomal recessive inheritance. Affected: yes.
Comment: PM3 PS3 PM2

Blueprint Genetics
Classification: Pathogenic for PYROXD1-related disorders. Last evaluated: 2024-03-14. Review status: criteria provided, single submitter. Criteria: ACMG Guidelines, 2015. Collection method: clinical testing. Allele origin: germline. Affected: yes. Observed: 5 variant alleles.

Muscle and Diseases Team, Institut de Génétique et Biologie Moléculaire et Cellulaire
Classification: Pathogenic for Myofibrillar myopathy 8. Last evaluated: 2024-03-01. Review status: criteria provided, single submitter. Criteria: ACMG Guidelines, 2015. Collection method: research. Allele origin: biparental. Affected: yes. Observed: 2 variant alleles.
Comment: PS3+PM3_Strong+PM2+PP1

Institute of Medical Genetics and Applied Genomics, University Hospital Tübingen
Classification: Pathogenic. Last evaluated: 2020-10-23. Review status: criteria provided, single submitter. Criteria: ACMG Guidelines, 2015. Collection method: clinical testing. Allele origin: germline. Inheritance: Autosomal recessive inheritance. Affected: yes.

Broad Center for Mendelian Genomics, Broad Institute of MIT and Harvard
Classification: Pathogenic for Myofibrillar myopathy 8. Last evaluated: 2020-05-29. Review status: criteria provided, single submitter. Criteria: ACMG Guidelines, 2015. Collection method: research. Allele origin: germline. Inheritance: Autosomal recessive inheritance.
Comment: The variant has been reported in 11 affected individuals, segregated with disease in 5 affected relatives from 4 families (PMID: 27745833, 32037607). The presence of this variant in 8 affected homozygotes with myofibrillar myopathy increases the likelihood that the p.Asn155Ser variant is pathogenic (PMID: 30345904, 32037607, 27745833). This variant has been identified in 0.01% (3/24752) of European (Finnish) chromosomes by the Genome Aggregation Database (gnomAD; dbSNP rs781565158). Although this variant has been seen in the general population, its frequency is low enough to be consistent with a recessive carrier frequency. This variant has also been reported in ClinVar (Variation ID#: 372280) as pathogenic by the Undiagnosed Disease Network, NIH. In vitro functional studies provide some evidence that the p.Asn155Ser variant may impact protein function (PMID: 30345904, 27745833). However, these types of assays may not accurately represent biological function. Animal models in zebrafish have shown that this variant causes myofibrillar myopathy (PMID: 27745833). The p.Asn155Ser variant is located in a region of PYROXD1 that is essential to protein folding and stability, suggesting that this variant is in a functional domain and slightly supports pathogenicity (PMID: 30345904). In summary, this variant meets criteria to be classified as pathogenic for myofibrillar myopathy in an autosomal recessive manner based on animal models that recapitulate the phenotpye, functional assays that report a disruption to protein function, and multiple reports of homozygous affected individuals. ACMG/AMP Criteria applied: PS3, PP1_strong, PM3, PM2_supporting, PM1_supporting (Richards 2015).

Undiagnosed Diseases Network, NIH
Classification: Pathogenic for Myofibrillar myopathy 8. Last evaluated: 2017-04-28. Review status: criteria provided, single submitter. Criteria: ACMG Guidelines, 2015. Collection method: clinical testing. Allele origin: inherited. Inheritance: Autosomal recessive inheritance. Affected: yes. Observed: 2 variant alleles, 2 homozygotes. Clinical features observed: Waddling gait (HP:0002515), Skeletal muscle atrophy (HP:0003202), Quadriceps muscle weakness (HP:0003731), Progressive muscle weakness (HP:0003323), Pain (HP:0012531), Myopathy (HP:0003198), Myalgia (HP:0003326), Muscular dystrophy (HP:0003560), Muscle cramps (HP:0003394), Long fingers (HP:0100807), Joint hypermobility (HP:0001382), Intention tremor (HP:0002080), and 8 more. Study: Undiagnosed Diseases Network (NIH), UDN.

Clinical Genetics Laboratory, University Hospital Schleswig-Holstein
Classification: Pathogenic for Myofibrillar myopathy 8. Last evaluated: 2024-10-30. Review status: no assertion criteria provided. Collection method: clinical testing. Allele origin: biparental. Affected: yes. Not counted in ClinVar's aggregate classification.

OMIM
Classification: Pathogenic for MYOPATHY, MYOFIBRILLAR, 8. Last evaluated: 2023-04-13. Review status: no assertion criteria provided. Collection method: literature only. Allele origin: germline. Not counted in ClinVar's aggregate classification.

Literature cited by the submitters: PubMed 27745833 (cited by 6 submitters); DOI 10.1186/s13073-024-01353-0 (cited by Muscle and Diseases Team, Institut de Génétique et Biologie Moléculaire et Cellulaire); PubMed 31455395 (cited by Muscle and Diseases Team, Institut de Génétique et Biologie Moléculaire et Cellulaire); PubMed 32037607 (cited by Broad Center for Mendelian Genomics, Broad Institute of MIT and Harvard and OMIM); PubMed 30345904 (cited by Broad Center for Mendelian Genomics, Broad Institute of MIT and Harvard and OMIM); PubMed 30515627 (cited by OMIM); PubMed 33694278 (cited by OMIM).